The following is an entry in ClinVar:

NM_015450.3(POT1):c.797A>C (p.His266Pro)

Gene: POT1 (protection of telomeres 1; minus strand). Cytogenetic location: 7q31.33.
Variant type: single nucleotide variant.
Coding change: c.797A>C on transcript NM_015450.3 (MANE Select); coding-DNA position 797, A replaced by C.
Protein change: p.His266Pro; replaces histidine 266 with proline.
Molecular consequence: missense variant. On other transcripts: non-coding transcript variant (3).
Genome position (GRCh38, 1-based): chr7:124,853,044, T>G on the plus strand (A>C on the coding strand, the complement: POT1 is on the minus strand). VCF-style: chr7-124853044-T-G. GRCh37 (hg19) VCF-style: chr7-124493098-T-G.
Other names: c.404A>C, p.His135Pro (NM_001042594.2); c.797A>C (NM_015450.2); short protein forms H135P, H266P.
Identifiers: ClinVar variation 2701490 (VCV002701490.4), dbSNP rs1584765678, ClinGen allele CA369055417.
Genomic context (GRCh38, chr7:124,853,044, plus strand): 5'-TCCACATCAGAGTTACTTTCTGGCAAGACCCTGATTCCCCGACCGTAACTGGTACCTCCA[T>G]GAAGATGAAACTCTAAACTTAACATTGTCTGATTCTCTGAATTCATTGATTGAAGTTTGG-3'
Protein context (NP_056265.2, residues 256-276): QTMLSLEFHL[His266Pro]GGTSYGRGIR

ClinVar aggregate classification (germline): Uncertain significance. Review status: criteria provided, multiple submitters, no conflicts (2 of 4 stars). 2 submissions from 2 submitters: Uncertain significance (2). Last evaluated 2023-12-06.

Conditions:
Tumor predisposition syndrome 3 (TPDS3). Also called: Glioma susceptibility 9; LONG TELOMERE SYNDROME, POT1-RELATED; POT1 Tumor Predisposition; Melanoma, cutaneous malignant, susceptibility to, 10. Identifiers: Orphanet 618, MedGen C4014476, MONDO:0014368, OMIM 615848.
Hereditary cancer-predisposing syndrome. Also called: Neoplastic Syndromes, Hereditary; Tumor predisposition; Hereditary Cancer Syndrome; Hereditary neoplastic syndrome. Identifiers: Orphanet 140162, MedGen C0027672, MeSH D009386, MONDO:0015356.

gnomAD v4.1: 1 of 1,613,014 alleles (0.000062%); highest among the groups gnomAD compares: Non-Finnish European, 0.000085%; no homozygotes.

Submissions (2):

Ambry Genetics
Classification: Uncertain significance for Hereditary cancer-predisposing syndrome. Last evaluated: 2023-12-06. Review status: criteria provided, single submitter. Criteria: Ambry Variant Classification Scheme 2023. Collection method: clinical testing. Allele origin: germline.

Labcorp Genetics (formerly Invitae), Labcorp
Classification: Uncertain significance for Tumor predisposition syndrome 3. Last evaluated: 2023-06-22. Review status: criteria provided, single submitter. Criteria: Invitae Variant Classification Sherloc (09022015). Collection method: clinical testing. Allele origin: germline.
Comment: This sequence change replaces histidine, which is basic and polar, with proline, which is neutral and non-polar, at codon 266 of the POT1 protein (p.His266Pro). This variant is not present in population databases (gnomAD no frequency). This variant has not been reported in the literature in individuals affected with POT1-related conditions. Advanced modeling of protein sequence and biophysical properties (such as structural, functional, and spatial information, amino acid conservation, physicochemical variation, residue mobility, and thermodynamic stability) performed at Invitae indicates that this missense variant is not expected to disrupt POT1 protein function. In summary, the available evidence is currently insufficient to determine the role of this variant in disease. Therefore, it has been classified as a Variant of Uncertain Significance.